The following is an entry in ClinVar:

NM_014003.4(DHX38):c.2823_2830del (p.Thr942fs)

Genes: DHX38 (DEAH-box helicase 38; plus strand), LOC126862391 (CDK7 strongly-dependent group 2 enhancer GRCh37_chr16:72141414-72142613; plus strand). Cytogenetic location: 16q22.2.
Variant type: Deletion.
Coding change: c.2823_2830del on transcript NM_014003.4 (MANE Select); coding-DNA positions 2823 to 2830, 8 bases deleted (TACCGGGC; older notation c.2823_2830delTACCGGGC).
Protein change: p.Thr942fs; shifts the reading frame from threonine 942.
Molecular consequence: frameshift variant.
Genome position (GRCh38, 1-based): chr16:72,107,658-72,107,665, TACCGGGC deleted; deleting any 8 consecutive bases within chr16:72,107,657-72,107,665 gives the same sequence; the c. name uses the placement nearest the transcript's 3' end. VCF-style (leftmost placement, unchanged base first): chr16-72107656-TCTACCGGG-T. GRCh37 (hg19) VCF-style: chr16-72141555-TCTACCGGG-T.
Other names: short protein forms T942fs.
Identifiers: ClinVar variation 953624 (VCV000953624.8), dbSNP rs767582321, ClinGen allele CA8160782.

ClinVar aggregate classification (germline): Uncertain significance (1 of 4 stars; one submission).

Submission:

Labcorp Genetics (formerly Invitae), Labcorp
Classification: Uncertain significance. Last evaluated: 2019-08-31. Review status: criteria provided, single submitter. Criteria: Invitae Variant Classification Sherloc (09022015). Collection method: clinical testing. Allele origin: germline.
Comment: This sequence change creates a premature translational stop signal (p.Thr942Alafs*20) in the DHX38 gene. It is expected to result in an absent or disrupted protein product. In summary, the available evidence is currently insufficient to determine the role of this variant in disease. Therefore, it has been classified as a Variant of Uncertain Significance. The current clinical and genetic evidence is not sufficient to establish whether loss-of-function variants in DHX38 cause disease. This variant has not been reported in the literature in individuals with DHX38-related conditions. The frequency data for this variant in the population databases is considered unreliable, as metrics indicate poor data quality at this position in the ExAC database.